The following is an entry in ClinVar:

ClinVar aggregate classification (germline): Uncertain significance (1 of 4 stars; one submission).

Conditions:
Joubert syndrome. Also called: Familial aplasia of the vermis; JOUBERT-BOLTSHAUSER SYNDROME. Identifiers: Orphanet 475, MedGen C5979921, MONDO:0018772.
Meckel-Gruber syndrome. Also called: Dysencephalia splachnocystica; DYSENCEPHALIA SPLANCHNOCYSTICA; GRUBER SYNDROME. Identifiers: Orphanet 564, MedGen C0265215, MONDO:0018921.

Allele frequency attached by ClinVar (database versions not stated): gnomAD 0.00001.
gnomAD v4.1: 1 of 1,612,762 alleles (0.000062%); highest among the groups gnomAD compares: South Asian, 0.0011%; no homozygotes.

Submission:

Labcorp Genetics (formerly Invitae), Labcorp
Classification: Uncertain significance for Joubert syndrome; Meckel-Gruber syndrome. Last evaluated: 2024-02-22. Review status: criteria provided, single submitter. Criteria: Invitae Variant Classification Sherloc (09022015). Collection method: clinical testing. Allele origin: germline.
Comment: This sequence change replaces tyrosine, which is neutral and polar, with cysteine, which is neutral and slightly polar, at codon 1579 of the CC2D2A protein (p.Tyr1579Cys). This variant is not present in population databases (gnomAD no frequency). This variant has not been reported in the literature in individuals affected with CC2D2A-related conditions. ClinVar contains an entry for this variant (Variation ID: 1985797). Advanced modeling of protein sequence and biophysical properties (such as structural, functional, and spatial information, amino acid conservation, physicochemical variation, residue mobility, and thermodynamic stability) performed at Invitae indicates that this missense variant is expected to disrupt CC2D2A protein function with a positive predictive value of 95%. In summary, the available evidence is currently insufficient to determine the role of this variant in disease. Therefore, it has been classified as a Variant of Uncertain Significance.

NM_001378615.1(CC2D2A):c.4736A>G (p.Tyr1579Cys)

Genes: CC2D2A (coiled-coil and C2 domain containing 2A; plus strand), FBXL5 (F-box and leucine rich repeat protein 5; minus strand). Cytogenetic location: 4p15.32.
Variant type: single nucleotide variant.
Coding change: c.4736A>G on transcript NM_001378615.1 (MANE Select); coding-DNA position 4736, A replaced by G.
Protein change: p.Tyr1579Cys; replaces tyrosine 1579 with cysteine.
Molecular consequence: missense variant.
Genome position (GRCh38, 1-based): chr4:15,601,298, A>G. VCF-style: chr4-15601298-A-G. GRCh37 (hg19) VCF-style: chr4-15602921-A-G.
Other names: c.4736A>G, p.Tyr1579Cys (NM_001080522.2); c.4589A>G, p.Tyr1530Cys (NM_001378617.1); short protein forms Y1530C, Y1579C.
Identifiers: ClinVar variation 1985797 (VCV001985797.4), dbSNP rs2148497426, ClinGen allele CA356436257.